The following is an entry in ClinVar:

ClinVar aggregate classification (germline): Pathogenic (1 of 4 stars; one submission).

Submission:

GeneDx
Classification: Pathogenic. Last evaluated: 2022-08-01. Review status: criteria provided, single submitter. Criteria: GeneDx Variant Classification Process June 2021. Collection method: clinical testing. Allele origin: germline. Affected: yes.
Comment: Frameshift variant predicted to result in protein truncation or nonsense-mediated decay in a gene for which loss of function is a known mechanism of disease; Not observed at significant frequency in large population cohorts (gnomAD); This variant is associated with the following publications: (PMID: 26701315)

NM_133433.4(NIPBL):c.1345dup (p.Gln449fs)

Gene: NIPBL (NIPBL cohesin loading factor; plus strand). Cytogenetic location: 5p13.2.
Variant type: Duplication.
Coding change: c.1345dup on transcript NM_133433.4 (MANE Select); coding-DNA position 1345, one base duplicated (C; older notation c.1345dupC).
Protein change: p.Gln449fs; shifts the reading frame from glutamine 449.
Molecular consequence: frameshift variant.
Genome position (GRCh38, 1-based): chr5:36,976,252, C duplicated; the last of 4 consecutive C bases (chr5:36,976,249-36,976,252); duplicating any one gives the same sequence. VCF-style (leftmost placement, unchanged base first): chr5-36976248-A-AC. GRCh37 (hg19) VCF-style: chr5-36976350-A-AC.
Other names: c.1345dup, p.Gln449fs (NM_015384.5); short protein forms Q449fs.
Identifiers: ClinVar variation 2428792 (VCV002428792.3), dbSNP rs2479128379, ClinGen allele CA2580073219.